The following is an entry in ClinVar:

NM_001142864.4(PIEZO1):c.4851G>A (p.Thr1617=)

Gene: PIEZO1 (piezo type mechanosensitive ion channel component 1 (Er blood group); minus strand). Cytogenetic location: 16q24.3.
Variant type: single nucleotide variant.
Coding change: c.4851G>A on transcript NM_001142864.4 (MANE Select); coding-DNA position 4851, G replaced by A.
Protein change: p.Thr1617=; no amino-acid change (threonine 1617 retained).
Molecular consequence: synonymous variant.
Genome position (GRCh38, 1-based): chr16:88,722,322, C>T on the plus strand (G>A on the coding strand, the complement: PIEZO1 is on the minus strand). VCF-style: chr16-88722322-C-T. GRCh37 (hg19) VCF-style: chr16-88788730-C-T.
Other names: c.3393G>A, p.Thr1131= (NM_014745.1).
Identifiers: ClinVar variation 3030841 (VCV003030841.2), dbSNP rs1045924498, ClinGen allele CA286409753.

ClinVar aggregate classification (germline): Likely benign (0 of 4 stars; one submission).

Conditions:
PIEZO1-related disorder. Also called: PIEZO1-related condition; PIEZO1-Related Disorders.

Allele frequency attached by ClinVar (database versions not stated): gnomAD exomes 0.00001; gnomAD 0.00003; TOPMed 0.00006.
gnomAD v4.1: 24 of 1,545,430 alleles (0.0016%); highest among the groups gnomAD compares: African/African-American, 0.0082%; no homozygotes.

Submission:

PreventionGenetics, part of Exact Sciences
Classification: Likely benign for PIEZO1-related condition. Last evaluated: 2021-06-09. Review status: no assertion criteria provided. Collection method: clinical testing. Allele origin: germline.
Comment: This variant is classified as likely benign based on ACMG/AMP sequence variant interpretation guidelines (Richards et al. 2015 PMID: 25741868, with internal and published modifications).